The following is an entry in ClinVar:

NM_138691.3(TMC1):c.2044G>C (p.Glu682Gln)

Gene: TMC1 (transmembrane channel like 1; plus strand). Cytogenetic location: 9q21.13.
Variant type: single nucleotide variant.
Coding change: c.2044G>C on transcript NM_138691.3 (MANE Select); coding-DNA position 2044, G replaced by C.
Protein change: p.Glu682Gln; replaces glutamic acid 682 with glutamine.
Molecular consequence: missense variant.
Genome position (GRCh38, 1-based): chr9:72,826,909, G>C. VCF-style: chr9-72826909-G-C. GRCh37 (hg19) VCF-style: chr9-75441825-G-C.
Other names: short protein forms E682Q.
Identifiers: ClinVar variation 47866 (VCV000047866.5), dbSNP rs199819595, ClinGen allele CA142065.

ClinVar aggregate classification (germline): Uncertain significance (1 of 4 stars; one submission).

Allele frequency attached by ClinVar (database versions not stated): gnomAD 0.00001; TOPMed 0.00001; 1000 Genomes Project 0.00020; 1000 Genomes Project 30x 0.00031.
gnomAD v4.1: 9 of 1,614,092 alleles (0.00056%); highest among the groups gnomAD compares: East Asian, 0.016%; no homozygotes.

Submission:

Laboratory for Molecular Medicine, Mass General Brigham Personalized Medicine
Classification: Uncertain significance. Last evaluated: 2012-06-08. Review status: criteria provided, single submitter. Criteria: LMM Criteria. Collection method: clinical testing. Allele origin: germline. Observed: 1 variant allele.
Comment: Variant classified as Uncertain Significance - Favor Benign. The Glu682Gln varia nt in TMC1 has not been reported in the literature nor previously identified by our laboratory. Computational analyses (biochemical amino acid properties, conse rvation, AlignGVGD, PolyPhen2, and SIFT) suggest that the Glu682Gln variant may not impact the protein, though this information is not predictive enough to rule out pathogenicity. In summary, the clinical significance of this variant cannot be determined with certainty; however based upon the arguments described above, we would lean towards a more likely benign role.